The following is an entry in ClinVar:

NM_032638.5(GATA2):c.524C>A (p.Pro175His)

Gene: GATA2 (GATA binding protein 2; minus strand). Cytogenetic location: 3q21.3.
Variant type: single nucleotide variant.
Coding change: c.524C>A on transcript NM_032638.5 (MANE Select); coding-DNA position 524, C replaced by A.
Protein change: p.Pro175His; replaces proline 175 with histidine.
Molecular consequence: missense variant.
Genome position (GRCh38, 1-based): chr3:128,486,074, G>T on the plus strand (C>A on the coding strand, the complement: GATA2 is on the minus strand). VCF-style: chr3-128486074-G-T. GRCh37 (hg19) VCF-style: chr3-128204917-G-T.
Other names: c.524C>A, p.Pro175His (NM_001145661.2, NM_001145662.1); short protein forms P175H.
Identifiers: ClinVar variation 1514214 (VCV001514214.8), dbSNP rs755939655, ClinGen allele CA2600011.

ClinVar aggregate classification (germline): Uncertain significance (1 of 4 stars; one submission).

Conditions:
Deafness-lymphedema-leukemia syndrome. Also called: Emberger syndrome; Lymphedema, primary, with myelodysplasia. Identifiers: Orphanet 3226, MedGen C3279664, MONDO:0013540, OMIM 614038.
Monocytopenia with susceptibility to infections. Also called: MONOCYTOPENIA AND MYCOBACTERIAL INFECTION SYNDROME; MONOCYTOPENIA WITH SUSCEPTIBILITY TO MYCOBACTERIAL, FUNGAL, AND PAPILLOMAVIRUS INFECTIONS AND MYELODYSPLASIA; COMBINED IMMUNODEFICIENCY WITH SUSCEPTIBILITY TO MYCOBACTERIAL, VIRAL, AND FUNGAL INFECTIONS; Dendritic cell, monocyte, B lymphocyte, and natural killer lymphocyte deficiency; IMMUNODEFICIENCY 21; GATA2 DEFICIENCY. Identifiers: Orphanet 228423, MedGen C3280030, MONDO:0013607, OMIM 614172.

Allele frequency attached by ClinVar (database versions not stated): ExAC 0.00001.

Submission:

Labcorp Genetics (formerly Invitae), Labcorp
Classification: Uncertain significance for Monocytopenia with susceptibility to infections; Deafness-lymphedema-leukemia syndrome. Last evaluated: 2021-03-02. Review status: criteria provided, single submitter. Criteria: Invitae Variant Classification Sherloc (09022015). Collection method: clinical testing. Allele origin: germline.
Comment: In summary, the available evidence is currently insufficient to determine the role of this variant in disease. Therefore, it has been classified as a Variant of Uncertain Significance. Algorithms developed to predict the effect of missense changes on protein structure and function are either unavailable or do not agree on the potential impact of this missense change (SIFT: "Deleterious"; PolyPhen-2: "Probably Damaging"; Align-GVGD: "Class C0"). This variant has not been reported in the literature in individuals with GATA2-related conditions. The frequency data for this variant in the population databases is considered unreliable, as metrics indicate poor data quality at this position in the ExAC database. This sequence change replaces proline with histidine at codon 175 of the GATA2 protein (p.Pro175His). The proline residue is highly conserved and there is a moderate physicochemical difference between proline and histidine.